The following is an entry in ClinVar:

ClinVar aggregate classification (germline): Uncertain significance (1 of 4 stars; one submission).

Conditions:
NRP1-related disorder. Also called: NRP1-related condition.

gnomAD v4.1: 30 of 1,612,720 alleles (0.0019%); highest among the groups gnomAD compares: Non-Finnish European, 0.0024%; no homozygotes.

Submission:

PreventionGenetics, part of Exact Sciences
Classification: Uncertain significance for NRP1-related condition. Last evaluated: 2025-09-10. Review status: criteria provided, single submitter. Criteria: ACMG Guidelines, 2015. Collection method: clinical testing. Allele origin: germline.
Comment: The NRP1 c.461C>T variant is predicted to result in the amino acid substitution p.Pro154Leu. To our knowledge, this variant has not been reported in the literature. This variant is reported in 0.0040% of alleles in individuals of African descent in gnomAD. At this time, the clinical significance of this variant is uncertain due to the absence of conclusive functional and genetic evidence.

NM_003873.7(NRP1):c.461C>T (p.Pro154Leu)

Genes: NRP1 (neuropilin 1; minus strand), LOC126860910 (P300/CBP strongly-dependent group 1 enhancer GRCh37_chr10:33552654-33553853; plus strand). Cytogenetic location: 10p11.22.
Variant type: single nucleotide variant.
Coding change: c.461C>T on transcript NM_003873.7 (MANE Select); coding-DNA position 461, C replaced by T.
Protein change: p.Pro154Leu; replaces proline 154 with leucine.
Molecular consequence: missense variant. On other transcripts: non-coding transcript variant (1).
Genome position (GRCh38, 1-based): chr10:33,263,843, G>A on the plus strand (C>T on the coding strand, the complement: NRP1 is on the minus strand). VCF-style: chr10-33263843-G-A. GRCh37 (hg19) VCF-style: chr10-33552771-G-A.
Other names: c.461C>T, p.Pro154Leu (NM_001024628.3, NM_001024629.3, NM_001244972.2 and 2 more transcripts); short protein forms P154L.
Identifiers: ClinVar variation 4982373 (VCV004982373.1).